The following is an entry in ClinVar:

ClinVar aggregate classification (germline): Uncertain significance (1 of 4 stars; one submission).

Submission:

GeneDx
Classification: Uncertain significance. Last evaluated: 2022-01-04. Review status: criteria provided, single submitter. Criteria: GeneDx Variant Classification Process June 2021. Collection method: clinical testing. Allele origin: germline. Affected: yes.
Comment: Not observed at significant frequency in large population cohorts (gnomAD); In silico analysis supports that this missense variant does not alter protein structure/function; Has not been previously published as pathogenic or benign to our knowledge

NM_001378615.1(CC2D2A):c.298A>G (p.Met100Val)

Genes: CC2D2A (coiled-coil and C2 domain containing 2A; plus strand), FBXL5 (F-box and leucine rich repeat protein 5; minus strand). Cytogenetic location: 4p15.32.
Variant type: single nucleotide variant.
Coding change: c.298A>G on transcript NM_001378615.1 (MANE Select); coding-DNA position 298, A replaced by G.
Protein change: p.Met100Val; replaces methionine 100 with valine.
Molecular consequence: missense variant.
Genome position (GRCh38, 1-based): chr4:15,502,479, A>G. VCF-style: chr4-15502479-A-G. GRCh37 (hg19) VCF-style: chr4-15504102-A-G.
Other names: c.298A>G, p.Met100Val (NM_001080522.2); c.151A>G, p.Met51Val (NM_001378617.1); short protein forms M100V, M51V.
Identifiers: ClinVar variation 1693418 (VCV001693418.2), dbSNP rs370014549, ClinGen allele CA356408145.